The following is an entry in ClinVar:

NM_006514.4(SCN10A):c.3020A>G (p.Asp1007Gly)

Genes: SCN10A (sodium voltage-gated channel alpha subunit 10; minus strand), LOC110121288 (VISTA enhancer hs2268; plus strand). Cytogenetic location: 3p22.2.
Variant type: single nucleotide variant.
Coding change: c.3020A>G on transcript NM_006514.4 (MANE Select); coding-DNA position 3020, A replaced by G.
Protein change: p.Asp1007Gly; replaces aspartic acid 1007 with glycine.
Molecular consequence: missense variant.
Genome position (GRCh38, 1-based): chr3:38,726,673, T>C on the plus strand (A>G on the coding strand, the complement: SCN10A is on the minus strand). VCF-style: chr3-38726673-T-C. GRCh37 (hg19) VCF-style: chr3-38768164-T-C.
Other names: c.3020A>G (NM_006514.3); c.3020A>G, p.Asp1007Gly (NM_001293306.2); c.2726A>G, p.Asp909Gly (NM_001293307.2); short protein forms D909G, D1007G.
Identifiers: ClinVar variation 1798911 (VCV001798911.6), dbSNP rs199641736, ClinGen allele CA2320386.

ClinVar aggregate classification (germline): Conflicting classifications of pathogenicity. Review status: criteria provided, conflicting classifications (1 of 4 stars). 4 submissions from 4 submitters: Uncertain significance (2); Likely benign (2). Last evaluated 2025-10-17.

Conditions:
Cardiovascular phenotype. Identifiers: MedGen CN230736.
Brugada syndrome. Also called: Sudden unexplained nocturnal death syndrome; Sudden unexpected nocturnal death syndrome; Sudden Unexplained Death Syndrome; Sudden Unexplained Nocturnal Death Syndrome (SUNDS). Identifiers: Orphanet 130, MedGen C1142166, MONDO:0015263.
SCN10A-related disorder. Also called: SCN10A-related condition.

Allele frequency attached by ClinVar (database versions not stated): gnomAD exomes 0.00003; gnomAD 0.00004; TOPMed 0.00005; ExAC 0.00008; ESP Exome Variant Server 0.00008; 1000 Genomes Project 30x 0.00016; 1000 Genomes Project 0.00020.
gnomAD v4.1: 52 of 1,609,984 alleles (0.0032%); highest among the groups gnomAD compares: Admixed American, 0.033%; no homozygotes.

Submissions (4):

Labcorp Genetics (formerly Invitae), Labcorp
Classification: Uncertain significance for Brugada syndrome. Last evaluated: 2025-10-17. Review status: criteria provided, single submitter. Criteria: Invitae Variant Classification Sherloc (09022015). Collection method: clinical testing. Allele origin: germline.
Comment: This sequence change replaces aspartic acid, which is acidic and polar, with glycine, which is neutral and non-polar, at codon 1007 of the SCN10A protein (p.Asp1007Gly). This variant is present in population databases (rs199641736, gnomAD 0.08%). This missense change has been observed in individual(s) with Brugada syndrome (PMID: 31292628). ClinVar contains an entry for this variant (Variation ID: 1798911). Invitae Evidence Modeling of protein sequence and biophysical properties (such as structural, functional, and spatial information, amino acid conservation, physicochemical variation, residue mobility, and thermodynamic stability) indicates that this missense variant is not expected to disrupt SCN10A protein function with a negative predictive value of 80%. In summary, the available evidence is currently insufficient to determine the role of this variant in disease. Therefore, it has been classified as a Variant of Uncertain Significance.

PreventionGenetics, part of Exact Sciences
Classification: Likely benign for SCN10A-related condition. Last evaluated: 2025-01-07. Review status: criteria provided, single submitter. Criteria: ACMG Guidelines, 2015. Collection method: clinical testing. Allele origin: germline.
Comment: This variant is classified as likely benign based on ACMG/AMP sequence variant interpretation guidelines (Richards et al. 2015 PMID: 25741868, with internal and published modifications).

GeneDx
Classification: Uncertain significance. Last evaluated: 2023-10-31. Review status: criteria provided, single submitter. Criteria: GeneDx Variant Classification Process June 2021. Collection method: clinical testing. Allele origin: germline. Affected: yes.
Comment: Identified in a patient with Brugada syndrome in published literature (Monasky et al., 2019); In silico analysis supports that this missense variant has a deleterious effect on protein structure/function; This variant is associated with the following publications: (PMID: 31292628)

Ambry Genetics
Classification: Likely benign for Cardiovascular phenotype. Last evaluated: 2020-02-19. Review status: criteria provided, single submitter. Criteria: Ambry Variant Classification Scheme 2023. Collection method: clinical testing. Allele origin: germline.

Literature cited by the submitters: PubMed 31292628 (cited by Labcorp Genetics (formerly Invitae), Labcorp and Ambry Genetics).